The following is an entry in ClinVar:

ClinVar aggregate classification (germline): Uncertain significance (1 of 4 stars; one submission).

Conditions:
PKD1-related disorder. Also called: PKD1-related condition.

gnomAD v4.1: 6 of 1,606,058 alleles (0.00037%); highest among the groups gnomAD compares: South Asian, 0.0066%; no homozygotes.

Submission:

PreventionGenetics, part of Exact Sciences
Classification: Uncertain significance for PKD1-related condition. Last evaluated: 2026-06-24. Review status: criteria provided, single submitter. Criteria: ACMG Guidelines, 2015. Collection method: clinical testing. Allele origin: germline.
Comment: The PKD1 c.7711G>A variant is predicted to result in the amino acid substitution p.Ala2571Thr. To our knowledge, this variant has not been reported in the literature. This variant is reported in 0.0066% of alleles in individuals of South Asian descent in gnomAD. At this time, the clinical significance of this variant is uncertain due to the absence of conclusive functional and genetic evidence.

NM_001009944.3(PKD1):c.7711G>A (p.Ala2571Thr)

Gene: PKD1 (polycystin 1, transient receptor potential channel interacting; minus strand). Cytogenetic location: 16p13.3.
Variant type: single nucleotide variant.
Coding change: c.7711G>A on transcript NM_001009944.3 (MANE Select); coding-DNA position 7711, G replaced by A.
Protein change: p.Ala2571Thr; replaces alanine 2571 with threonine.
Molecular consequence: missense variant.
Genome position (GRCh38, 1-based): chr16:2,106,017, C>T on the plus strand (G>A on the coding strand, the complement: PKD1 is on the minus strand). VCF-style: chr16-2106017-C-T. GRCh37 (hg19) VCF-style: chr16-2156018-C-T.
Other names: c.7711G>A, p.Ala2571Thr (NM_000296.4); short protein forms A2571T.
Identifiers: ClinVar variation 4992757 (VCV004992757.1).
Genomic context (GRCh38, chr16:2,106,017, plus strand): 5'-GCCCGTGCAGCCAGACTGTGAGCCCCGTTGCGCTGCCGTTGGGCTCTGGGAGGGTGATGG[C>T]CAAAGACCTACGAGCAGAGGGGGGTGGTGAGCAGGTGGCAGTCTCGGGGGCGCCCTCCCA-3'
Protein context (NP_001009944.3, residues 2561-2581): AAVVALNRSL[Ala2571Thr]ITLPEPNGSA